The following is an entry in ClinVar:

NM_198253.3(TERT):c.2643A>G (p.Lys881=)

Gene: TERT (telomerase reverse transcriptase; minus strand). Cytogenetic location: 5p15.33.
Variant type: single nucleotide variant.
Coding change: c.2643A>G on transcript NM_198253.3 (MANE Select); coding-DNA position 2643, A replaced by G.
Protein change: p.Lys881=; no amino-acid change (lysine 881 retained).
Molecular consequence: synonymous variant. On other transcripts: non-coding transcript variant (2).
Genome position (GRCh38, 1-based): chr5:1,266,475, T>C on the plus strand (A>G on the coding strand, the complement: TERT is on the minus strand). VCF-style: chr5-1266475-T-C. GRCh37 (hg19) VCF-style: chr5-1266590-T-C.
Other names: c.2643A>G, p.Lys881= (NM_001193376.3).
Identifiers: ClinVar variation 539217 (VCV000539217.13), dbSNP rs375558251, ClinGen allele CA3184441.

ClinVar aggregate classification (germline): Likely benign. Review status: criteria provided, multiple submitters, no conflicts (2 of 4 stars). 3 submissions from 3 submitters: Likely benign (2). 1 of the submissions does not count toward it. Last evaluated 2026-02-04.

Conditions:
Dyskeratosis congenita, autosomal dominant 2. Identifiers: MedGen C3151443, MONDO:0013521, OMIM 613989.
Idiopathic Pulmonary Fibrosis. Also called: Idiopathic fibrosing alveolitis, chronic form; idiopathic fibrosing alveolitis. Identifiers: Orphanet 2032, MedGen C1800706, MeSH D054990, MONDO:0800504.
TERT-related disorder. Also called: TERT-related condition; TERT-related disorders.
Dyskeratosis congenita. Identifiers: Orphanet 1775, MedGen C0265965, MONDO:0015780.

Allele frequency attached by ClinVar (database versions not stated): gnomAD exomes 0.00002 and 0.00003; ExAC 0.00003; gnomAD 0.00003; TOPMed 0.00003.
gnomAD v4.1: 36 of 1,609,250 alleles (0.0022%); highest among the groups gnomAD compares: Middle Eastern, 0.033%; no homozygotes.

Submissions (3):

Labcorp Genetics (formerly Invitae), Labcorp
Classification: Likely benign for Dyskeratosis congenita, autosomal dominant 2; Idiopathic Pulmonary Fibrosis. Last evaluated: 2026-02-04. Review status: criteria provided, single submitter. Criteria: Invitae Variant Classification Sherloc (09022015). Collection method: clinical testing. Allele origin: germline.

Ambry Genetics
Classification: Likely benign for Dyskeratosis congenita. Last evaluated: 2022-03-25. Review status: criteria provided, single submitter. Criteria: Ambry Variant Classification Scheme 2023. Collection method: clinical testing. Allele origin: germline.

PreventionGenetics, part of Exact Sciences
Classification: Likely benign for TERT-related condition. Last evaluated: 2024-07-20. Review status: no assertion criteria provided. Collection method: clinical testing. Allele origin: germline. Not counted in ClinVar's aggregate classification.
Comment: This variant is classified as likely benign based on ACMG/AMP sequence variant interpretation guidelines (Richards et al. 2015 PMID: 25741868, with internal and published modifications).